The following is an entry in ClinVar:

ClinVar aggregate classification (germline): Uncertain significance (1 of 4 stars; one submission).

Submission:

Labcorp Genetics (formerly Invitae), Labcorp
Classification: Uncertain significance. Last evaluated: 2022-03-29. Review status: criteria provided, single submitter. Criteria: Invitae Variant Classification Sherloc (09022015). Collection method: clinical testing. Allele origin: germline.
Comment: In summary, the available evidence is currently insufficient to determine the role of this variant in disease. Therefore, it has been classified as a Variant of Uncertain Significance. Algorithms developed to predict the effect of missense changes on protein structure and function are either unavailable or do not agree on the potential impact of this missense change (SIFT: "Deleterious"; PolyPhen-2: "Probably Damaging"; Align-GVGD: "Class C0"). This variant has not been reported in the literature in individuals affected with DTHD1-related conditions. This variant is not present in population databases (gnomAD no frequency). This sequence change replaces glycine, which is neutral and non-polar, with valine, which is neutral and non-polar, at codon 110 of the DTHD1 protein (p.Gly110Val).

NM_001170700.3(DTHD1):c.1199G>T (p.Gly400Val)

Gene: DTHD1 (death domain containing 1; plus strand). Cytogenetic location: 4p14.
Variant type: single nucleotide variant.
Coding change: c.1199G>T on transcript NM_001170700.3 (MANE Select); coding-DNA position 1199, G replaced by T.
Protein change: p.Gly400Val; replaces glycine 400 with valine.
Molecular consequence: missense variant. On other transcripts: non-coding transcript variant (2).
Genome position (GRCh38, 1-based): chr4:36,290,684, G>T. VCF-style: chr4-36290684-G-T. GRCh37 (hg19) VCF-style: chr4-36292306-G-T.
Other names: c.329G>T, p.Gly110Val (NM_001136536.5, NM_001378435.1); short protein forms G110V, G400V.
Identifiers: ClinVar variation 2119430 (VCV002119430.4), dbSNP rs770256085, ClinGen allele CA356679263.